The following is an entry in ClinVar:

ClinVar aggregate classification (germline): Likely pathogenic (1 of 4 stars; one submission).

Conditions:
Primary ciliary dyskinesia 3. Identifiers: Orphanet 244, MedGen C1837618, MONDO:0012085, OMIM 608644.

Submission:

Myriad Genetics, Inc.
Classification: Likely pathogenic for Primary ciliary dyskinesia 3. Last evaluated: 2022-03-17. Review status: criteria provided, single submitter. Criteria: Myriad Women's Health Autosomal Recessive and X-Linked Classification Criteria (2021). Collection method: clinical testing. Allele origin: unknown.
Comment: NM_001369.2(DNAH5):c.4830delA(K1610Nfs*17) is expected to be pathogenic in the context of DNAH5-related primary ciliary dyskinesia. This variant is predicted to lead to an abnormal or absent protein product due to the creation of a premature termination codon in DNAH5, a gene where loss-of-function variants are known to be pathogenic. Please note: this variant was assessed in the context of healthy population screening.

NM_001369.3(DNAH5):c.4830del (p.Lys1610fs)

Genes: DNAH5 (dynein axonemal heavy chain 5; minus strand), LOC126807318 (MED14-independent group 3 enhancer GRCh37_chr5:13858976-13860175; plus strand). Cytogenetic location: 5p15.2.
Variant type: Deletion.
Coding change: c.4830del on transcript NM_001369.3 (MANE Select); coding-DNA position 4830, one base deleted (A; older notation c.4830delA).
Protein change: p.Lys1610fs; shifts the reading frame from lysine 1610.
Molecular consequence: frameshift variant.
Genome position (GRCh38, 1-based): chr5:13,859,572, T deleted on the plus strand (A on the coding strand, the reverse complement: DNAH5 is on the minus strand); the first of 5 consecutive T bases (chr5:13,859,572-13,859,576); deleting any one gives the same sequence. VCF-style (leftmost placement, unchanged base first): chr5-13859571-AT-A. GRCh37 (hg19) VCF-style: chr5-13859680-AT-A.
Other names: short protein forms K1610fs.
Identifiers: ClinVar variation 1725379 (VCV001725379.2), dbSNP rs2546965753, ClinGen allele CA2580072053.